The following is an entry in ClinVar:

NM_000182.5(HADHA):c.1932G>A (p.Lys644=)

Genes: GAREM2 (GRB2 associated regulator of MAPK1 subtype 2; plus strand), HADHA (hydroxyacyl-CoA dehydrogenase trifunctional multienzyme complex subunit alpha; minus strand). Cytogenetic location: 2p23.3.
Variant type: single nucleotide variant.
Coding change: c.1932G>A on transcript NM_000182.5 (MANE Select); coding-DNA position 1932, G replaced by A.
Protein change: p.Lys644=; no amino-acid change (lysine 644 retained).
Molecular consequence: synonymous variant.
Genome position (GRCh38, 1-based): chr2:26,192,378, C>T on the plus strand (G>A on the coding strand, the complement: HADHA is on the minus strand). VCF-style: chr2-26192378-C-T. GRCh37 (hg19) VCF-style: chr2-26415247-C-T.
Other names: c.1932G>A (NM_000182.4).
Identifiers: ClinVar variation 1087796 (VCV001087796.10), dbSNP rs765574028, ClinGen allele CA1559412.

ClinVar aggregate classification (germline): Likely benign. Review status: criteria provided, multiple submitters, no conflicts (2 of 4 stars). 2 submissions from 2 submitters: Likely benign (2). Last evaluated 2026-09-25.

Conditions:
HADHA-related disorder. Also called: HADHA-related disorders; HADHA-related condition.
Long chain 3-hydroxyacyl-CoA dehydrogenase deficiency. Also called: Deficiency of long-chain 3-hydroxyacyl-coenzyme A dehydrogenase; LCHAD Deficiency. Identifiers: Orphanet 5, MedGen C3711645, MONDO:0012173, OMIM 609016.
Mitochondrial trifunctional protein deficiency. Identifiers: Orphanet 746, MedGen C1969443, MONDO:0012172.

Allele frequency attached by ClinVar (database versions not stated): gnomAD exomes below 0.00001; ExAC 0.00001; gnomAD 0.00001.
gnomAD v4.1: 5 of 1,609,784 alleles (0.00031%); highest among the groups gnomAD compares: South Asian, 0.0033%; no homozygotes.

Submissions (2):

PreventionGenetics, part of Exact Sciences
Classification: Likely benign for HADHA-related condition. Last evaluated: 2026-09-25. Review status: criteria provided, single submitter. Criteria: ACMG Guidelines, 2015. Collection method: clinical testing. Allele origin: germline.
Comment: This variant is classified as likely benign based on ACMG/AMP sequence variant interpretation guidelines (Richards et al. 2015 PMID: 25741868, with internal and published modifications).

Labcorp Genetics (formerly Invitae), Labcorp
Classification: Likely benign for Mitochondrial trifunctional protein deficiency; Long chain 3-hydroxyacyl-CoA dehydrogenase deficiency. Last evaluated: 2023-10-04. Review status: criteria provided, single submitter. Criteria: Invitae Variant Classification Sherloc (09022015). Collection method: clinical testing. Allele origin: germline.